The following is an entry in ClinVar:

ClinVar aggregate classification (germline): Uncertain significance (1 of 4 stars; one submission).

Conditions:
Hereditary cancer-predisposing syndrome. Also called: Neoplastic Syndromes, Hereditary; Tumor predisposition; Hereditary neoplastic syndrome; Hereditary Cancer Syndrome. Identifiers: Orphanet 140162, MedGen C0027672, MeSH D009386, MONDO:0015356.

Submission:

Ambry Genetics
Classification: Uncertain significance for Hereditary cancer-predisposing syndrome. Last evaluated: 2022-12-07. Review status: criteria provided, single submitter. Criteria: Ambry Variant Classification Scheme 2023. Collection method: clinical testing. Allele origin: germline.
Comment: The p.P711L variant (also known as c.2132C>T), located in coding exon 7 of the AXIN2 gene, results from a C to T substitution at nucleotide position 2132. The proline at codon 711 is replaced by leucine, an amino acid with similar properties. This amino acid position is conserved. In addition, this alteration is predicted to be tolerated by in silico analysis. Since supporting evidence is limited at this time, the clinical significance of this alteration remains unclear.

NM_004655.4(AXIN2):c.2132C>T (p.Pro711Leu)

Gene: AXIN2 (axin 2; minus strand). Cytogenetic location: 17q24.1.
Variant type: single nucleotide variant.
Coding change: c.2132C>T on transcript NM_004655.4 (MANE Select); coding-DNA position 2132, C replaced by T.
Protein change: p.Pro711Leu; replaces proline 711 with leucine.
Molecular consequence: missense variant.
Genome position (GRCh38, 1-based): chr17:65,536,329, G>A on the plus strand (C>T on the coding strand, the complement: AXIN2 is on the minus strand). VCF-style: chr17-65536329-G-A. GRCh37 (hg19) VCF-style: chr17-63532447-G-A.
Other names: c.1937C>T, p.Pro646Leu (NM_001363813.1); short protein forms P646L, P711L.
Identifiers: ClinVar variation 2451647 (VCV002451647.2), dbSNP rs2509400534, ClinGen allele CA400675920.
Genomic context (GRCh38, chr17:65,536,329, plus strand): 5'-CCACCCAAACCCAATCCCTGCCTCAACCTAGGACCCTTCACTTCCACTCACCGCTGCTTT[G>A]GGGGCTTCGACACCTCAGCTAGCCTGCGACAGGCCTCCTCCAGCTGAGCCAGCGTGTTGG-3'
Protein context (NP_004646.3, residues 701-721): CRRLAEVSKP[Pro711Leu]KQRCCVASQQ